The following is an entry in ClinVar:

ClinVar aggregate classification (germline): Uncertain significance (1 of 4 stars; one submission).

Submission:

Labcorp Genetics (formerly Invitae), Labcorp
Classification: Uncertain significance. Last evaluated: 2025-03-18. Review status: criteria provided, single submitter. Criteria: Invitae Variant Classification Sherloc (09022015). Collection method: clinical testing. Allele origin: germline.
Comment: This sequence change replaces leucine, which is neutral and non-polar, with proline, which is neutral and non-polar, at codon 995 of the DUOX2 protein (p.Leu995Pro). This variant is not present in population databases (gnomAD no frequency). This variant has not been reported in the literature in individuals affected with DUOX2-related conditions. ClinVar contains an entry for this variant (Variation ID: 2872076). An algorithm developed to predict the effect of missense changes on protein structure and function (PolyPhen-2) suggests that this variant is likely to be disruptive. In summary, the available evidence is currently insufficient to determine the role of this variant in disease. Therefore, it has been classified as a Variant of Uncertain Significance.

NM_001363711.2(DUOX2):c.2984T>C (p.Leu995Pro)

Gene: DUOX2 (dual oxidase 2; minus strand). Cytogenetic location: 15q21.1.
Variant type: single nucleotide variant.
Coding change: c.2984T>C on transcript NM_001363711.2 (MANE Select); coding-DNA position 2984, T replaced by C.
Protein change: p.Leu995Pro; replaces leucine 995 with proline.
Molecular consequence: missense variant.
Genome position (GRCh38, 1-based): chr15:45,100,776, A>G on the plus strand (T>C on the coding strand, the complement: DUOX2 is on the minus strand). VCF-style: chr15-45100776-A-G. GRCh37 (hg19) VCF-style: chr15-45392974-A-G.
Other names: c.2984T>C, p.Leu995Pro (NM_014080.5); short protein forms L995P.
Identifiers: ClinVar variation 2872076 (VCV002872076.3), dbSNP rs2504753264, ClinGen allele CA392264514.
Genomic context (GRCh38, chr15:45,100,776, plus strand): 5'-CCATGTCTCTTTGGGCCCAGGGATTTGGGAGACACTCACTTTTTGCCAAACCTCTTCTTC[A>G]GTCCAGGGCCTCCCAGCTCTGGGGCTTCTGGGGCAGGGGGCCCCAGTCCCTGGGGGTGGG-3'
Protein context (NP_001350640.1, residues 985-1005): PEAPELGGPG[Leu995Pro]KKRFGKKAAV